The following is an entry in ClinVar:

NM_000059.4(BRCA2):c.7612A>G (p.Lys2538Glu)

Gene: BRCA2 (BRCA2 DNA repair associated; plus strand). Cytogenetic location: 13q13.1.
Variant type: single nucleotide variant.
Coding change: c.7612A>G on transcript NM_000059.4 (MANE Select); coding-DNA position 7612, A replaced by G.
Protein change: p.Lys2538Glu; replaces lysine 2538 with glutamic acid.
Molecular consequence: missense variant.
Genome position (GRCh38, 1-based): chr13:32,356,604, A>G. VCF-style: chr13-32356604-A-G. GRCh37 (hg19) VCF-style: chr13-32930741-A-G.
Other names: 7840A>G; short protein forms K2538E.
Identifiers: ClinVar variation 91484 (VCV000091484.16), dbSNP rs397507921, ClinGen allele CA025179.
Genomic context (GRCh38, chr13:32,356,604, plus strand): 5'-CTGCCTCGAATCTCTCTGAAAGCAGCAGTAGGAGGCCAAGTTCCCTCTGCGTGTTCTCAT[A>G]AACAGGTATGTGTTTGTCTACAATACTGATGGCTTTTATGACAGAGTGTAATTTTATTTC-3'
Protein context (NP_000050.3, residues 2528-2548): GGQVPSACSH[Lys2538Glu]QLYTYGVSKH

ClinVar aggregate classification (germline): Uncertain significance. Review status: criteria provided, multiple submitters, no conflicts (2 of 4 stars). 4 submissions from 4 submitters: Uncertain significance (3). 1 of the submissions does not count toward it. Last evaluated 2024-08-17.

Conditions:
Hereditary breast ovarian cancer syndrome. Also called: Breast and ovarian cancer; Hereditary breast and ovarian cancer; Hereditary breast and ovarian cancer syndrome; BRCA1- and BRCA2-Associated Hereditary Breast and Ovarian Cancer; Hereditary breast and ovarian cancer syndrome (HBOC); Hereditary breast and/or ovarian cancer syndrome. Identifiers: Orphanet 145, MedGen C0677776, MeSH D061325, MONDO:0003582. Disease mechanism: loss of function.
Hereditary cancer-predisposing syndrome. Also called: Tumor predisposition; Hereditary Cancer Syndrome; Neoplastic Syndromes, Hereditary; Hereditary neoplastic syndrome. Identifiers: Orphanet 140162, MedGen C0027672, MeSH D009386, MONDO:0015356.
Breast-ovarian cancer, familial, susceptibility to, 2 (BROVCA2). Also called: BRCA2 Hereditary Breast and Ovarian Cancer. Identifiers: Orphanet 145, MedGen C2675520, MONDO:0012933, OMIM 612555. Disease mechanism: loss of function.
Familial cancer of breast. Also called: BREAST CANCER, FAMILIAL; hereditary breast carcinoma; Hereditary breast cancer. Identifiers: Orphanet 227535, MedGen C0346153, MONDO:0016419, OMIM 114480. Disease mechanism: loss of function.

Allele frequency attached by ClinVar (database versions not stated): TOPMed below 0.00001.

Submissions (4):

Ambry Genetics
Classification: Uncertain significance for Hereditary cancer-predisposing syndrome. Last evaluated: 2024-08-17. Review status: criteria provided, single submitter. Criteria: Ambry Variant Classification Scheme 2023. Collection method: clinical testing. Allele origin: germline.
Comment: The p.K2538E variant (also known as c.7612A>G), located in coding exon 14 of the BRCA2 gene, results from an A to G substitution at nucleotide position 7612. The lysine at codon 2538 is replaced by glutamic acid, an amino acid with similar properties. This amino acid position is not well conserved in available vertebrate species, and glutamic acid is the reference amino acid in other vertebrate species. In addition, this alteration is predicted to be tolerated by in silico analysis. Since supporting evidence is limited at this time, the clinical significance of this alteration remains unclear.

Labcorp Genetics (formerly Invitae), Labcorp
Classification: Uncertain significance for Hereditary breast ovarian cancer syndrome. Last evaluated: 2023-08-16. Review status: criteria provided, single submitter. Criteria: Invitae Variant Classification Sherloc (09022015). Collection method: clinical testing. Allele origin: germline.
Comment: In summary, the available evidence is currently insufficient to determine the role of this variant in disease. Therefore, it has been classified as a Variant of Uncertain Significance. Advanced modeling of protein sequence and biophysical properties (such as structural, functional, and spatial information, amino acid conservation, physicochemical variation, residue mobility, and thermodynamic stability) performed at Invitae indicates that this missense variant is not expected to disrupt BRCA2 protein function. This sequence change replaces lysine, which is basic and polar, with glutamic acid, which is acidic and polar, at codon 2538 of the BRCA2 protein (p.Lys2538Glu). ClinVar contains an entry for this variant (Variation ID: 91484). This variant is not present in population databases (gnomAD no frequency). This variant has not been reported in the literature in individuals affected with BRCA2-related conditions.

Baylor Genetics
Classification: Uncertain significance for Familial cancer of breast. Last evaluated: 2023-06-25. Review status: criteria provided, single submitter. Criteria: ACMG Guidelines, 2015. Collection method: clinical testing. Allele origin: unknown.

Sharing Clinical Reports Project (SCRP)
Classification: Uncertain significance for Breast-ovarian cancer, familial 2. Last evaluated: 2012-11-19. Review status: no assertion criteria provided. Collection method: clinical testing. Allele origin: germline. Not counted in ClinVar's aggregate classification.